The following is an entry in ClinVar:

NM_007126.5(VCP):c.813T>G (p.Gly271=)

Gene: VCP (valosin containing protein; minus strand). Cytogenetic location: 9p13.3.
Variant type: single nucleotide variant.
Coding change: c.813T>G on transcript NM_007126.5 (MANE Select); coding-DNA position 813, T replaced by G.
Protein change: p.Gly271=; no amino-acid change (glycine 271 retained).
Molecular consequence: synonymous variant.
Genome position (GRCh38, 1-based): chr9:35,062,349, A>C on the plus strand (T>G on the coding strand, the complement: VCP is on the minus strand). VCF-style: chr9-35062349-A-C. GRCh37 (hg19) VCF-style: chr9-35062346-A-C.
Other names: p.Gly271=; c.678T>G, p.Gly226= (NM_001354927.2, NM_001354928.2).
Identifiers: ClinVar variation 4683394 (VCV004683394.1).

ClinVar aggregate classification (germline): Likely benign (1 of 4 stars; one submission).

Submission:

Mayo Clinic Laboratories, Mayo Clinic
Classification: Likely benign. Last evaluated: 2025-01-20. Review status: criteria provided, single submitter. Criteria: ACMG Guidelines, 2015. Collection method: clinical testing. Allele origin: germline. Observed: 1 variant allele.
Comment: BP4, BP7